The following is an entry in ClinVar:

ClinVar aggregate classification (germline): Uncertain significance (1 of 4 stars; one submission).

Submission:

Ambry Genetics
Classification: Uncertain significance. Last evaluated: 2022-02-15. Review status: criteria provided, single submitter. Criteria: Ambry Variant Classification Scheme 2023. Collection method: clinical testing. Allele origin: germline.
Comment: The p.N1388T variant (also known as c.4163A>C), located in coding exon 17 of the NPAT gene, results from an A to C substitution at nucleotide position 4163. The asparagine at codon 1388 is replaced by threonine, an amino acid with similar properties. This amino acid position is conserved. In addition, this alteration is predicted to be tolerated by in silico analysis. Since supporting evidence is limited at this time, the clinical significance of this alteration remains unclear.

NM_002519.3(NPAT):c.4163A>C (p.Asn1388Thr)

Gene: NPAT (nuclear protein, coactivator of histone transcription; minus strand). Cytogenetic location: 11q22.3.
Variant type: single nucleotide variant.
Coding change: c.4163A>C on transcript NM_002519.3 (MANE Select); coding-DNA position 4163, A replaced by C.
Protein change: p.Asn1388Thr; replaces asparagine 1388 with threonine.
Molecular consequence: missense variant.
Genome position (GRCh38, 1-based): chr11:108,160,923, T>G on the plus strand (A>C on the coding strand, the complement: NPAT is on the minus strand). VCF-style: chr11-108160923-T-G. GRCh37 (hg19) VCF-style: chr11-108031650-T-G.
Other names: c.4184A>C, p.Asn1395Thr (NM_001321307.1); short protein forms N1388T, N1395T.
Identifiers: ClinVar variation 1738354 (VCV001738354.2), dbSNP rs2496692842, ClinGen allele CA382509234.
Genomic context (GRCh38, chr11:108,160,923, plus strand): 5'-AAAACTTTCAAACTTGCCTTAATTTTCTTCTTTTTCATTGGTATTGATGAATTTGTAAGA[T>G]TTTTACTAGAAGGACGAGAGTTTCGCTCACGTTCATCTAATTCCTCAATTTTCCGCTTTT-3'
Protein context (NP_002510.2, residues 1378-1398): RERNSRPSSK[Asn1388Thr]LTNSSIPMKK